The following is an entry in ClinVar:

NM_000059.4(BRCA2):c.10018G>A (p.Ala3340Thr)

Gene: BRCA2 (BRCA2 DNA repair associated; plus strand). Cytogenetic location: 13q13.1.
Variant type: single nucleotide variant.
Coding change: c.10018G>A on transcript NM_000059.4 (MANE Select); coding-DNA position 10018, G replaced by A.
Protein change: p.Ala3340Thr; replaces alanine 3340 with threonine.
Molecular consequence: missense variant.
Genome position (GRCh38, 1-based): chr13:32,398,531, G>A. VCF-style: chr13-32398531-G-A. GRCh37 (hg19) VCF-style: chr13-32972668-G-A.
Other names: short protein forms A3340T.
Identifiers: ClinVar variation 385156 (VCV000385156.9), dbSNP rs919415219, ClinGen allele CA16606713.

ClinVar aggregate classification (germline): Conflicting classifications of pathogenicity. Review status: criteria provided, conflicting classifications (1 of 4 stars). 4 submissions from 4 submitters: Uncertain significance (3); Likely benign (1). Last evaluated 2024-02-23.

Conditions:
Hereditary cancer-predisposing syndrome. Also called: Hereditary Cancer Syndrome; Hereditary neoplastic syndrome; Neoplastic Syndromes, Hereditary; Tumor predisposition. Identifiers: Orphanet 140162, MedGen C0027672, MeSH D009386, MONDO:0015356.
Hereditary breast ovarian cancer syndrome. Also called: Hereditary breast and ovarian cancer syndrome; Hereditary breast and ovarian cancer; Breast and ovarian cancer; BRCA1- and BRCA2-Associated Hereditary Breast and Ovarian Cancer; Hereditary breast and/or ovarian cancer syndrome; Hereditary breast and ovarian cancer syndrome (HBOC). Identifiers: Orphanet 145, MedGen C0677776, MeSH D061325, MONDO:0003582. Disease mechanism: loss of function.

Allele frequency attached by ClinVar (database versions not stated): TOPMed 0.00002.

Submissions (4):

Ambry Genetics
Classification: Uncertain significance for Hereditary cancer-predisposing syndrome. Last evaluated: 2024-02-23. Review status: criteria provided, single submitter. Criteria: Ambry Variant Classification Scheme 2023. Collection method: clinical testing. Allele origin: germline.
Comment: The p.A3340T variant (also known as c.10018G>A), located in coding exon 26 of the BRCA2 gene, results from a G to A substitution at nucleotide position 10018. The alanine at codon 3340 is replaced by threonine, an amino acid with similar properties. This amino acid position is conserved. In addition, this alteration is predicted to be tolerated by in silico analysis. Based on the available evidence, the clinical significance of this alteration remains unclear.

Labcorp Genetics (formerly Invitae), Labcorp
Classification: Uncertain significance for Hereditary breast ovarian cancer syndrome. Last evaluated: 2022-03-06. Review status: criteria provided, single submitter. Criteria: Invitae Variant Classification Sherloc (09022015). Collection method: clinical testing. Allele origin: germline.
Comment: This sequence change replaces alanine, which is neutral and non-polar, with threonine, which is neutral and polar, at codon 3340 of the BRCA2 protein (p.Ala3340Thr). This variant is not present in population databases (gnomAD no frequency). This variant has not been reported in the literature in individuals affected with BRCA2-related conditions. ClinVar contains an entry for this variant (Variation ID: 385156). Advanced modeling of protein sequence and biophysical properties (such as structural, functional, and spatial information, amino acid conservation, physicochemical variation, residue mobility, and thermodynamic stability) performed at Invitae indicates that this missense variant is not expected to disrupt BRCA2 protein function. In summary, the available evidence is currently insufficient to determine the role of this variant in disease. Therefore, it has been classified as a Variant of Uncertain Significance.

Color Diagnostics, LLC DBA Color Health
Classification: Uncertain significance for Hereditary cancer-predisposing syndrome. Last evaluated: 2019-06-19. Review status: criteria provided, single submitter. Criteria: ACMG Guidelines, 2015. Collection method: clinical testing. Allele origin: germline.

GeneDx
Classification: Likely benign. Last evaluated: 2016-04-01. Review status: criteria provided, single submitter. Criteria: GeneDx Variant Classification (06012015). Collection method: clinical testing. Allele origin: germline. Affected: yes.
Comment: This variant is considered likely benign or benign based on one or more of the following criteria: it is a conservative change, it occurs at a poorly conserved position in the protein, it is predicted to be benign by multiple in silico algorithms, and/or has population frequency not consistent with disease.